The following is an entry in ClinVar:

ClinVar aggregate classification (germline): Conflicting classifications of pathogenicity. Review status: criteria provided, conflicting classifications (1 of 4 stars). 3 submissions from 3 submitters: Uncertain significance (2); Likely benign (1). Last evaluated 2025-11-08.

Conditions:
Microcephaly 5, primary, autosomal recessive (MCPH5). Also called: ASPM Primary Microcephaly. Identifiers: Orphanet 2512, MedGen C1837501, MONDO:0012106, OMIM 608716.
Inborn genetic diseases. Identifiers: MedGen C0950123, MeSH D030342.

Allele frequency attached by ClinVar (database versions not stated): gnomAD 0.00003; gnomAD exomes 0.00003; TOPMed 0.00003; ExAC 0.00005; ESP Exome Variant Server 0.00008.
gnomAD v4.1: 44 of 1,611,940 alleles (0.0027%); highest among the groups gnomAD compares: Admixed American, 0.0067%; no homozygotes.

Submissions (3):

Labcorp Genetics (formerly Invitae), Labcorp
Classification: Uncertain significance. Last evaluated: 2025-11-08. Review status: criteria provided, single submitter. Criteria: Invitae Variant Classification Sherloc (09022015). Collection method: clinical testing. Allele origin: germline.
Comment: This sequence change replaces threonine, which is neutral and polar, with methionine, which is neutral and non-polar, at codon 2872 of the ASPM protein (p.Thr2872Met). This variant is present in population databases (rs142176273, gnomAD 0.01%). This variant has not been reported in the literature in individuals affected with ASPM-related conditions. ClinVar contains an entry for this variant (Variation ID: 1806357). An algorithm developed to predict the effect of missense changes on protein structure and function outputs the following: PolyPhen-2: "Benign". The methionine amino acid residue is found in multiple mammalian species, which suggests that this missense change does not adversely affect protein function. In summary, the available evidence is currently insufficient to determine the role of this variant in disease. Therefore, it has been classified as a Variant of Uncertain Significance.

Ambry Genetics
Classification: Likely benign for Inborn genetic diseases. Last evaluated: 2025-03-24. Review status: criteria provided, single submitter. Criteria: Ambry Variant Classification Scheme 2023. Collection method: clinical testing. Allele origin: germline.

Victorian Clinical Genetics Services, Murdoch Childrens Research Institute
Classification: Uncertain significance for Microcephaly 5, primary, autosomal recessive. Last evaluated: 2020-10-19. Review status: criteria provided, single submitter. Criteria: ACMG Guidelines, 2015. Collection method: clinical testing. Allele origin: germline. Inheritance: Autosomal recessive inheritance. Affected: yes.
Comment: Based on the classification scheme VCGS_Germline_v1.3.3, this variant is classified as VUS-3C. Following criteria are met: 0102 - Loss of function is a known mechanism of disease in this gene and is associated with microcephaly 5, primary, autosomal recessive (MIM#608716). (I) 0106 - This gene is associated with autosomal recessive disease. (I) 0200 - Variant is predicted to result in a missense amino acid change from threonine to methionine. (I) 0251 - This variant is heterozygous. (I) 0304 - Variant is present in gnomAD v2 <0.01 for a recessive condition (10 heterozygotes, 0 homozygotes). (SP) 0504 - Same amino acid change has been observed in placental mammals. (SB) 0600 - Variant is located in the annotated IQ calmodulin-binding motif (PDB). (I) 0705 - No comparable missense variants have previous evidence for pathogenicity. (I) 0807 - This variant has no previous evidence of pathogenicity. (I) 0905 - No published segregation evidence has been identified for this variant. (I) 1007 - No published functional evidence has been identified for this variant. (I) 1208 - Inheritance information for this variant is not currently available in this individual. (I) Legend: (SP) - Supporting pathogenic, (I) - Information, (SB) - Supporting benign

NM_018136.5(ASPM):c.8615C>T (p.Thr2872Met)

Gene: ASPM (assembly factor for spindle microtubules; minus strand). Cytogenetic location: 1q31.3.
Variant type: single nucleotide variant.
Coding change: c.8615C>T on transcript NM_018136.5 (MANE Select); coding-DNA position 8615, C replaced by T.
Protein change: p.Thr2872Met; replaces threonine 2872 with methionine.
Molecular consequence: missense variant. On other transcripts: intron variant (1).
Genome position (GRCh38, 1-based): chr1:197,100,636, G>A on the plus strand (C>T on the coding strand, the complement: ASPM is on the minus strand). VCF-style: chr1-197100636-G-A. GRCh37 (hg19) VCF-style: chr1-197069766-G-A.
Other names: c.4066-4472C>T (NM_001206846.2); short protein forms T2872M.
Identifiers: ClinVar variation 1806357 (VCV001806357.5), dbSNP rs142176273, ClinGen allele CA1309188.